The following is an entry in ClinVar:

ClinVar aggregate classification (germline): Uncertain significance (1 of 4 stars; one submission).

Conditions:
MRAP2-related disorder. Also called: MRAP2-related condition.

Submission:

PreventionGenetics, part of Exact Sciences
Classification: Uncertain significance for MRAP2-related condition. Last evaluated: 2025-10-14. Review status: criteria provided, single submitter. Criteria: ACMG Guidelines, 2015. Collection method: clinical testing. Allele origin: germline.
Comment: The MRAP2 c.457C>A variant is predicted to result in the amino acid substitution p.Gln153Lys. To our knowledge, this variant has not been reported in the literature or in a large population database (gnomAD), indicating this variant is rare. At this time, the clinical significance of this variant is uncertain due to the absence of conclusive functional and genetic evidence.

NM_138409.4(MRAP2):c.457C>A (p.Gln153Lys)

Gene: MRAP2 (melanocortin 2 receptor accessory protein 2; plus strand). Cytogenetic location: 6q14.2.
Variant type: single nucleotide variant.
Coding change: c.457C>A on transcript NM_138409.4 (MANE Select); coding-DNA position 457, C replaced by A.
Protein change: p.Gln153Lys; replaces glutamine 153 with lysine.
Molecular consequence: missense variant.
Genome position (GRCh38, 1-based): chr6:84,089,320, C>A. VCF-style: chr6-84089320-C-A. GRCh37 (hg19) VCF-style: chr6-84799039-C-A.
Other names: c.199C>A, p.Gln67Lys (NM_001346541.2); c.457C>A, p.Gln153Lys (NM_001346542.2, NM_001346544.2); c.292C>A, p.Gln98Lys (NM_001346543.2); short protein forms Q98K, Q153K, Q67K.
Identifiers: ClinVar variation 4990902 (VCV004990902.1).